The following is an entry in ClinVar:

NM_014053.4(FLVCR1):c.1282G>A (p.Val428Met)

Gene: FLVCR1 (FLVCR choline and heme transporter 1; plus strand). Cytogenetic location: 1q32.3.
Variant type: single nucleotide variant.
Coding change: c.1282G>A on transcript NM_014053.4 (MANE Select); coding-DNA position 1282, G replaced by A.
Protein change: p.Val428Met; replaces valine 428 with methionine.
Molecular consequence: missense variant.
Genome position (GRCh38, 1-based): chr1:212,887,976, G>A. VCF-style: chr1-212887976-G-A. GRCh37 (hg19) VCF-style: chr1-213061318-G-A.
Other names: short protein forms V428M.
Identifiers: ClinVar variation 933809 (VCV000933809.11), dbSNP rs560058131, ClinGen allele CA1386106.

ClinVar aggregate classification (germline): Uncertain significance. Review status: criteria provided, multiple submitters, no conflicts (2 of 4 stars). 3 submissions from 3 submitters: Uncertain significance (3). Last evaluated 2024-11-05.

Conditions:
Inborn genetic diseases. Identifiers: MedGen C0950123, MeSH D030342.

Allele frequency attached by ClinVar (database versions not stated): ExAC 0.00001; gnomAD 0.00001; gnomAD exomes 0.00001 and 0.00004; TOPMed 0.00001; 1000 Genomes Project 30x 0.00016; 1000 Genomes Project 0.00020.
gnomAD v4.1: 16 of 1,597,144 alleles (0.001%); highest among the groups gnomAD compares: Admixed American, 0.012%; no homozygotes.

Submissions (3):

Labcorp Genetics (formerly Invitae), Labcorp
Classification: Uncertain significance. Last evaluated: 2024-11-05. Review status: criteria provided, single submitter. Criteria: Invitae Variant Classification Sherloc (09022015). Collection method: clinical testing. Allele origin: germline.
Comment: This sequence change replaces valine, which is neutral and non-polar, with methionine, which is neutral and non-polar, at codon 428 of the FLVCR1 protein (p.Val428Met). This variant is present in population databases (rs560058131, gnomAD 0.02%). This variant has not been reported in the literature in individuals affected with FLVCR1-related conditions. ClinVar contains an entry for this variant (Variation ID: 933809). Invitae Evidence Modeling of protein sequence and biophysical properties (such as structural, functional, and spatial information, amino acid conservation, physicochemical variation, residue mobility, and thermodynamic stability) indicates that this missense variant is not expected to disrupt FLVCR1 protein function with a negative predictive value of 80%. Algorithms developed to predict the effect of sequence changes on RNA splicing suggest that this variant may disrupt the consensus splice site. In summary, the available evidence is currently insufficient to determine the role of this variant in disease. Therefore, it has been classified as a Variant of Uncertain Significance.

Ambry Genetics
Classification: Uncertain significance for Inborn genetic diseases. Last evaluated: 2024-08-28. Review status: criteria provided, single submitter. Criteria: Ambry Variant Classification Scheme 2023. Collection method: clinical testing. Allele origin: germline.

Blueprint Genetics
Classification: Uncertain significance. Last evaluated: 2024-06-10. Review status: criteria provided, single submitter. Criteria: ACMG Guidelines, 2015. Collection method: clinical testing. Allele origin: germline.